The following is an entry in ClinVar:

ClinVar aggregate classification (germline): Uncertain significance. Review status: criteria provided, multiple submitters, no conflicts (2 of 4 stars). 4 submissions from 4 submitters: Uncertain significance (4). Last evaluated 2024-11-25.

Conditions:
Cockayne syndrome. Identifiers: Orphanet 191, MedGen C0009207, MONDO:0016006.
Fanconi anemia complementation group Q. Identifiers: Orphanet 84, MedGen C3808988, MONDO:0014108, OMIM 615272.
Xeroderma pigmentosum, group F (XPF). Also called: ERCC4-Related Xeroderma Pigmentosum; XERODERMA PIGMENTOSUM VI; XP, GROUP F; XERODERMA PIGMENTOSUM, COMPLEMENTATION GROUP F; XERODERMA PIGMENTOSUM, TYPE F; Xeroderma pigmentosum, type 6. Identifiers: MedGen C0268140, MONDO:0010215, OMIM 278760.
Behavioral variant of frontotemporal dementia. Identifiers: Orphanet 275864, MedGen C4011788, MONDO:0017160.

Allele frequency attached by ClinVar (database versions not stated): gnomAD 0.00003 and 0.00004.
gnomAD v4.1: 33 of 1,607,092 alleles (0.0021%); highest among the groups gnomAD compares: Non-Finnish European, 0.0025%; no homozygotes.

Submissions (4):

Labcorp Genetics (formerly Invitae), Labcorp
Classification: Uncertain significance for Fanconi anemia complementation group Q; Xeroderma pigmentosum, group F; Cockayne syndrome. Last evaluated: 2024-11-25. Review status: criteria provided, single submitter. Criteria: Invitae Variant Classification Sherloc (09022015). Collection method: clinical testing. Allele origin: germline.
Comment: This sequence change replaces alanine, which is neutral and non-polar, with threonine, which is neutral and polar, at codon 13 of the ERCC4 protein (p.Ala13Thr). This variant is present in population databases (rs374243778, gnomAD 0.007%). This variant has not been reported in the literature in individuals affected with ERCC4-related conditions. ClinVar contains an entry for this variant (Variation ID: 1319877). An algorithm developed to predict the effect of missense changes on protein structure and function (PolyPhen-2) suggests that this variant is likely to be disruptive. In summary, the available evidence is currently insufficient to determine the role of this variant in disease. Therefore, it has been classified as a Variant of Uncertain Significance.

Institute of Medical Genetics and Applied Genomics, University Hospital Tübingen
Classification: Uncertain significance for Behavioral variant of frontotemporal dementia. Last evaluated: 2023-01-03. Review status: criteria provided, single submitter. Criteria: ACMG Guidelines, 2015. Collection method: clinical testing. Allele origin: germline. Inheritance: Autosomal recessive inheritance. Affected: yes.

Blueprint Genetics
Classification: Uncertain significance. Last evaluated: 2021-11-16. Review status: criteria provided, single submitter. Criteria: ACMG Guidelines, 2015. Collection method: clinical testing. Allele origin: germline.

Institute for Clinical Genetics, University Hospital TU Dresden, University Hospital TU Dresden
Classification: Uncertain significance. Last evaluated: 2021-11-03. Review status: criteria provided, single submitter. Criteria: ACMG Guidelines, 2015. Collection method: clinical testing. Allele origin: germline.

NM_005236.3(ERCC4):c.37G>A (p.Ala13Thr)

Genes: ERCC4 (ERCC excision repair 4, endonuclease catalytic subunit; plus strand), LOC130058543 (ATAC-STARR-seq lymphoblastoid active region 10486; plus strand). Cytogenetic location: 16p13.12.
Variant type: single nucleotide variant.
Coding change: c.37G>A on transcript NM_005236.3 (MANE Select); coding-DNA position 37, G replaced by A.
Protein change: p.Ala13Thr; replaces alanine 13 with threonine.
Molecular consequence: missense variant.
Genome position (GRCh38, 1-based): chr16:13,920,202, G>A. VCF-style: chr16-13920202-G-A. GRCh37 (hg19) VCF-style: chr16-14014059-G-A.
Other names: short protein forms A13T.
Identifiers: ClinVar variation 1319877 (VCV001319877.8), dbSNP rs374243778, ClinGen allele CA7910071.